The following is an entry in ClinVar:

NM_001283009.2(RTEL1):c.2899G>C (p.Val967Leu)

Genes: RTEL1 (regulator of telomere elongation helicase 1; plus strand), RTEL1-TNFRSF6B (RTEL1-TNFRSF6B readthrough (NMD candidate); plus strand). Cytogenetic location: 20q13.33.
Variant type: single nucleotide variant.
Coding change: c.2899G>C on transcript NM_001283009.2 (MANE Select); coding-DNA position 2899, G replaced by C.
Protein change: p.Val967Leu; replaces valine 967 with leucine.
Molecular consequence: missense variant. On other transcripts: non-coding transcript variant (1).
Genome position (GRCh38, 1-based): chr20:63,693,190, G>C. VCF-style: chr20-63693190-G-C. GRCh37 (hg19) VCF-style: chr20-62324543-G-C.
Other names: c.2230G>C, p.Val744Leu (NM_001283010.1); c.2899G>C, p.Val967Leu (NM_016434.4); c.2971G>C, p.Val991Leu (NM_032957.5); short protein forms V967L, V991L, V744L.
Identifiers: ClinVar variation 639594 (VCV000639594.9), dbSNP rs149537474, ClinGen allele CA9965648.
Genomic context (GRCh38, chr20:63,693,190, plus strand): 5'-CCTTCCTCTACAGGCTTCTACCAGTTTGTGCGGCCCCACCATAAGCAGCAGTTTGAGGAG[G>C]TCTGTATCCAGCTGACAGGACGAGGCTGTGGCTATCGGCCTGAGCACAGCATTCCCCGAA-3'
Protein context (NP_001269938.1, residues 957-977): RPHHKQQFEE[Val967Leu]CIQLTGRGCG

ClinVar aggregate classification (germline): Conflicting classifications of pathogenicity. Review status: criteria provided, conflicting classifications (1 of 4 stars). 4 submissions from 4 submitters: Uncertain significance (2); Likely benign (1). 1 of the submissions does not count toward it. Last evaluated 2026-01-06.

Conditions:
Dyskeratosis congenita. Identifiers: Orphanet 1775, MedGen C0265965, MONDO:0015780.
Dyskeratosis congenita, autosomal recessive 5 (DKCB5). Identifiers: MedGen C3554656, MONDO:0014076, OMIM 615190.
Pulmonary fibrosis and/or bone marrow failure, Telomere-related, 3. Also called: PULMONARY FIBROSIS AND/OR BONE MARROW FAILURE SYNDROME, TELOMERE-RELATED, 3. Identifiers: Orphanet 2032, MedGen C4225346, MONDO:0014613, OMIM 616373.

Allele frequency attached by ClinVar (database versions not stated): ESP Exome Variant Server 0.00008; TOPMed 0.00010; gnomAD 0.00014 and 0.00015.
gnomAD v4.1: 30 of 1,612,090 alleles (0.0019%); highest among the groups gnomAD compares: African/African-American, 0.039%; no homozygotes.

Submissions (4):

Labcorp Genetics (formerly Invitae), Labcorp
Classification: Uncertain significance for Dyskeratosis congenita, autosomal recessive 5; Pulmonary fibrosis and/or bone marrow failure, Telomere-related, 3. Last evaluated: 2026-01-06. Review status: criteria provided, single submitter. Criteria: Invitae Variant Classification Sherloc (09022015). Collection method: clinical testing. Allele origin: germline.
Comment: This sequence change replaces valine, which is neutral and non-polar, with leucine, which is neutral and non-polar, at codon 967 of the RTEL1 protein (p.Val967Leu). This variant is present in population databases (rs149537474, gnomAD 0.05%). This variant has not been reported in the literature in individuals affected with RTEL1-related conditions. ClinVar contains an entry for this variant (Variation ID: 639594). An algorithm developed to predict the effect of missense changes on protein structure and function outputs the following: PolyPhen-2: "Benign". The leucine amino acid residue is found in multiple mammalian species, which suggests that this missense change does not adversely affect protein function. In summary, the available evidence is currently insufficient to determine the role of this variant in disease. Therefore, it has been classified as a Variant of Uncertain Significance.

Blueprint Genetics
Classification: Likely benign. Last evaluated: 2022-09-07. Review status: criteria provided, single submitter. Criteria: ACMG Guidelines, 2015. Collection method: clinical testing. Allele origin: germline.

Sema4
Classification: Uncertain significance for Dyskeratosis congenita. Last evaluated: 2021-07-05. Review status: criteria provided, single submitter. Criteria: Sema4 Curation Guidelines. Collection method: curation. Allele origin: germline.
Comment: The RTEL1 c.2899G>C (p.V967L) variant has not been reported in the literature to our knowledge. It was observed in 14/24744 chromosomes of the African/African American subpopulation, with no homozygotes, in the large and broad cohorts of the Genome Aggregation Database. The variant has been reported in ClinVar (Variation ID 639594). In silico tools suggest the impact of the variant on protein function is benign, though these predictions have not been confirmed by functional studies. The evidence is insufficient to meet ACMG/AMP criteria for classifying the variant as benign or pathogenic. Thus, the clinical significance of this variant is currently uncertain.

Natera, Inc.
Classification: Uncertain significance for Dyskeratosis congenita. Last evaluated: 2020-09-16. Review status: no assertion criteria provided. Collection method: clinical testing. Allele origin: germline. Not counted in ClinVar's aggregate classification.